The following is an entry in ClinVar:

ClinVar aggregate classification (germline): Likely pathogenic (1 of 4 stars; one submission).

Conditions:
Inborn genetic diseases. Identifiers: MedGen C0950123, MeSH D030342.

Submission:

Ambry Genetics
Classification: Likely pathogenic for Inborn genetic diseases. Last evaluated: 2025-03-18. Review status: criteria provided, single submitter. Criteria: Ambry Variant Classification Scheme 2023. Collection method: clinical testing. Allele origin: germline.
Comment: The c.1217A>G (p.H406R) alteration is located in exon 11 (coding exon 11) of the VCP gene. This alteration results from an A to G substitution at nucleotide position 1217, causing the histidine (H) at amino acid position 406 to be replaced by an arginine (R). for VCP-related neurodevelopmental disorder; however, its clinical significance for VCP-related multisystem proteinopathy is uncertain. This variant was not reported in population-based cohorts in the Genome Aggregation Database (gnomAD). This amino acid position is highly conserved in available vertebrate species. This missense alteration is located in a region that has a low rate of benign missense variation (Lek, 2016; Firth, 2009). This alteration is predicted to be deleterious by in silico analysis. Based on the available evidence, this alteration is classified as likely pathogenic.

NM_007126.5(VCP):c.1217A>G (p.His406Arg)

Gene: VCP (valosin containing protein; minus strand). Cytogenetic location: 9p13.3.
Variant type: single nucleotide variant.
Coding change: c.1217A>G on transcript NM_007126.5 (MANE Select); coding-DNA position 1217, A replaced by G.
Protein change: p.His406Arg; replaces histidine 406 with arginine.
Molecular consequence: missense variant.
Genome position (GRCh38, 1-based): chr9:35,061,157, T>C on the plus strand (A>G on the coding strand, the complement: VCP is on the minus strand). VCF-style: chr9-35061157-T-C. GRCh37 (hg19) VCF-style: chr9-35061154-T-C.
Other names: c.1082A>G, p.His361Arg (NM_001354927.2, NM_001354928.2); short protein forms H361R, H406R.
Identifiers: ClinVar variation 3814841 (VCV003814841.2).
Genomic context (GRCh38, chr9:35,061,157, plus strand): 5'-TTCTTGCGGATGGCTTGCAGAGCAGCCTCTGAGCACAGGGCTGCTAAGTCAGCACCCACA[T>C]GCCCGTGAGTCTCATTGGCTACCTGCAGAGAAAGATCTACTTACTATGCTGCCTCAAAGA-3'
Protein context (NP_009057.1, residues 396-416): LEQVANETHG[His406Arg]VGADLAALCS